The following is an entry in ClinVar:

ClinVar aggregate classification (germline): Benign/Likely benign. Review status: criteria provided, multiple submitters, no conflicts (2 of 4 stars). 4 submissions from 4 submitters: Benign (2); Likely benign (1). 1 of the submissions does not count toward it. Last evaluated 2024-10-17.

Conditions:
CTSB-related disorder. Also called: CTSB-related condition.

Allele frequency attached by ClinVar (database versions not stated): gnomAD exomes 0.00035 and 0.00082; ExAC 0.00106; gnomAD 0.00318 and 0.00345; 1000 Genomes Project 0.00399; ESP Exome Variant Server 0.00346; TOPMed 0.00346; 1000 Genomes Project 30x 0.00390.

Submissions (4):

Labcorp Genetics (formerly Invitae), Labcorp
Classification: Benign. Last evaluated: 2024-10-17. Review status: criteria provided, single submitter. Criteria: Invitae Variant Classification Sherloc (09022015). Collection method: clinical testing. Allele origin: germline.

Blueprint Genetics
Classification: Likely benign. Last evaluated: 2024-10-09. Review status: criteria provided, single submitter. Criteria: ACMG Guidelines, 2015. Collection method: clinical testing. Allele origin: germline.

Breakthrough Genomics
Classification: Benign. Review status: criteria provided, single submitter. Criteria: ACMG Guidelines, 2015. Collection method: not provided. Allele origin: germline. Inheritance: Autosomal dominant inheritance. Affected: yes.

PreventionGenetics, part of Exact Sciences
Classification: Benign for CTSB-related condition. Last evaluated: 2019-04-11. Review status: no assertion criteria provided. Collection method: clinical testing. Allele origin: germline. Not counted in ClinVar's aggregate classification.
Comment: This variant is classified as benign based on ACMG/AMP sequence variant interpretation guidelines (Richards et al. 2015 PMID: 25741868, with internal and published modifications).

NM_001908.5(CTSB):c.272C>T (p.Pro91Leu)

Gene: CTSB (cathepsin B). Cytogenetic location: 8p23.1.
Variant type: single nucleotide variant.
Coding change: c.272C>T on transcript NM_001908.5 (MANE Select); coding-DNA position 272, C replaced by T.
Protein change: p.Pro91Leu; replaces proline 91 with leucine.
Molecular consequence: missense variant.
Genome position (GRCh38, 1-based): chr8:11,850,921, G>A on the plus strand (C>T on the coding strand, the complement: CTSB is on the minus strand). VCF-style: chr8-11850921-G-A. GRCh37 (hg19) VCF-style: chr8-11708430-G-A.
Other names: c.19C>T, p.His7Tyr (NM_001317237.2); c.272C>T, p.Pro91Leu (NM_147780.4, NM_147781.4, NM_147782.4 and 1 more transcripts); short protein forms H7Y, P91L.
Identifiers: ClinVar variation 732968 (VCV000732968.13), dbSNP rs11548596, ClinGen allele CA4633055.